The following is an entry in ClinVar:

NM_001970.5(EIF5A):c.270+1G>A

Gene: EIF5A (eukaryotic translation initiation factor 5A; plus strand). Cytogenetic location: 17p13.1.
Variant type: single nucleotide variant.
Coding change: c.270+1G>A on transcript NM_001970.5 (MANE Select); the canonical splice donor site of the intron after coding-DNA position 270, G replaced by A.
Molecular consequence: splice donor variant.
Genome position (GRCh38, 1-based): chr17:7,311,123, G>A. VCF-style: chr17-7311123-G-A. GRCh37 (hg19) VCF-style: chr17-7214442-G-A.
Other names: c.360+1G>A (NM_001143760.1); c.270+1G>A (NM_001370420.1, NM_001143761.1, NM_001370421.1 and 1 more transcripts).
Identifiers: ClinVar variation 2580665 (VCV002580665.1), dbSNP rs2508674028, ClinGen allele CA397776103.

ClinVar aggregate classification (germline): Likely pathogenic (1 of 4 stars; one submission).

Submission:

GeneDx
Classification: Likely pathogenic. Last evaluated: 2023-03-24. Review status: criteria provided, single submitter. Criteria: GeneDx Variant Classification Process June 2021. Collection method: clinical testing. Allele origin: germline. Affected: yes.
Comment: Canonical splice site variant expected to result in aberrant splicing, although in the absence of functional evidence the actual effect of this sequence change is unknown.; Not observed at significant frequency in large population cohorts (gnomAD); Has not been previously published as pathogenic or benign to our knowledge